The following is an entry in ClinVar:

NM_001256789.3(CACNA1F):c.1326G>A (p.Trp442Ter)

Gene: CACNA1F (calcium voltage-gated channel subunit alpha1 F; minus strand). Cytogenetic location: Xp11.23.
Variant type: single nucleotide variant.
Coding change: c.1326G>A on transcript NM_001256789.3 (MANE Select); coding-DNA position 1326, G replaced by A.
Protein change: p.Trp442Ter; replaces tryptophan 442 with a stop codon.
Molecular consequence: nonsense.
Genome position (GRCh38, 1-based): chrX:49,226,653, C>T on the plus strand (G>A on the coding strand, the complement: CACNA1F is on the minus strand). VCF-style: chrX-49226653-C-T. GRCh37 (hg19) VCF-style: chrX-49083115-C-T.
Other names: c.1164G>A, p.Trp388Ter (NM_001256790.3); c.1359G>A, p.Trp453Ter (NM_005183.4); short protein forms W442*, W453*, W388*.
Identifiers: ClinVar variation 3701598 (VCV003701598.2).

ClinVar aggregate classification (germline): Pathogenic (1 of 4 stars; one submission).

Submission:

Labcorp Genetics (formerly Invitae), Labcorp
Classification: Pathogenic. Last evaluated: 2024-05-12. Review status: criteria provided, single submitter. Criteria: Invitae Variant Classification Sherloc (09022015). Collection method: clinical testing. Allele origin: germline.
Comment: This sequence change creates a premature translational stop signal (p.Trp453*) in the CACNA1F gene. It is expected to result in an absent or disrupted protein product. Loss-of-function variants in CACNA1F are known to be pathogenic (PMID: 9662399, 11281458, 17525176, 22194652, 24124559, 26992781). This variant is not present in population databases (gnomAD no frequency). This variant has not been reported in the literature in individuals affected with CACNA1F-related conditions. For these reasons, this variant has been classified as Pathogenic.

Literature cited by the submitters: PubMed 9662399; PubMed 11281458; PubMed 17525176; PubMed 22194652; PubMed 24124559; PubMed 26992781.